The following is an entry in ClinVar:

NM_006231.4(POLE):c.4410G>A (p.Met1470Ile)

Gene: POLE (DNA polymerase epsilon, catalytic subunit; minus strand). Cytogenetic location: 12q24.33.
Variant type: single nucleotide variant.
Coding change: c.4410G>A on transcript NM_006231.4 (MANE Select); coding-DNA position 4410, G replaced by A.
Protein change: p.Met1470Ile; replaces methionine 1470 with isoleucine.
Molecular consequence: missense variant.
Genome position (GRCh38, 1-based): chr12:132,643,441, C>T on the plus strand (G>A on the coding strand, the complement: POLE is on the minus strand). VCF-style: chr12-132643441-C-T. GRCh37 (hg19) VCF-style: chr12-133220027-C-T.
Other names: c.4410G>A (NM_006231.2); short protein forms M1470I.
Identifiers: ClinVar variation 2814712 (VCV002814712.5), dbSNP rs2042202080, ClinGen allele CA387381055.

ClinVar aggregate classification (germline): Uncertain significance. Review status: criteria provided, multiple submitters, no conflicts (2 of 4 stars). 3 submissions from 3 submitters: Uncertain significance (3). Last evaluated 2024-06-21.

Conditions:
Hereditary cancer-predisposing syndrome. Also called: Tumor predisposition; Hereditary Cancer Syndrome; Hereditary neoplastic syndrome; Neoplastic Syndromes, Hereditary. Identifiers: Orphanet 140162, MedGen C0027672, MeSH D009386, MONDO:0015356.

Submissions (3):

Ambry Genetics
Classification: Uncertain significance for Hereditary cancer-predisposing syndrome. Last evaluated: 2024-06-21. Review status: criteria provided, single submitter. Criteria: Ambry Variant Classification Scheme 2023. Collection method: clinical testing. Allele origin: germline.
Comment: The p.M1470I variant (also known as c.4410G>A), located in coding exon 34 of the POLE gene, results from a G to A substitution at nucleotide position 4410. The methionine at codon 1470 is replaced by isoleucine, an amino acid with highly similar properties. This amino acid position is conserved. In addition, this alteration is predicted to be tolerated by in silico analysis. Based on the available evidence, the clinical significance of this variant remains unclear.

GeneDx
Classification: Uncertain significance. Last evaluated: 2024-02-27. Review status: criteria provided, single submitter. Criteria: GeneDx Variant Classification Process June 2021. Collection method: clinical testing. Allele origin: germline. Affected: yes.
Comment: Not observed at significant frequency in large population cohorts (gnomAD); In silico analysis supports that this missense variant does not alter protein structure/function; Has not been previously published as pathogenic or benign to our knowledge

Labcorp Genetics (formerly Invitae), Labcorp
Classification: Uncertain significance. Last evaluated: 2023-04-07. Review status: criteria provided, single submitter. Criteria: Invitae Variant Classification Sherloc (09022015). Collection method: clinical testing. Allele origin: germline.
Comment: This variant is not present in population databases (gnomAD no frequency). This sequence change replaces methionine, which is neutral and non-polar, with isoleucine, which is neutral and non-polar, at codon 1470 of the POLE protein (p.Met1470Ile). This variant has not been reported in the literature in individuals affected with POLE-related conditions. Advanced modeling of protein sequence and biophysical properties (such as structural, functional, and spatial information, amino acid conservation, physicochemical variation, residue mobility, and thermodynamic stability) performed at Invitae indicates that this missense variant is not expected to disrupt POLE protein function. In summary, the available evidence is currently insufficient to determine the role of this variant in disease. Therefore, it has been classified as a Variant of Uncertain Significance.